The following is an entry in ClinVar:

ClinVar aggregate classification (germline): Benign. Review status: criteria provided, single submitter (1 of 4 stars). 2 submissions from 2 submitters: Benign (1). 1 of the submissions does not count toward it. Last evaluated 2025-12-24.

Conditions:
DHX37-related disorder. Also called: DHX37-Related Disorders; DHX37-related condition.

Allele frequency attached by ClinVar (database versions not stated): gnomAD exomes 0.00043; ExAC 0.00135; ESP Exome Variant Server 0.00415; gnomAD 0.00459; TOPMed 0.00485; 1000 Genomes Project 0.00679; 1000 Genomes Project 30x 0.00734.
gnomAD v4.1: 1,348 of 1,614,092 alleles (0.084%); highest among the groups gnomAD compares: African/African-American, 1.6%; 7 homozygotes.

Submissions (2):

Labcorp Genetics (formerly Invitae), Labcorp
Classification: Benign. Last evaluated: 2025-12-24. Review status: criteria provided, single submitter. Criteria: Invitae Variant Classification Sherloc (09022015). Collection method: clinical testing. Allele origin: germline.

PreventionGenetics, part of Exact Sciences
Classification: Benign for DHX37-related condition. Last evaluated: 2019-12-05. Review status: no assertion criteria provided. Collection method: clinical testing. Allele origin: germline. Not counted in ClinVar's aggregate classification.
Comment: This variant is classified as benign based on ACMG/AMP sequence variant interpretation guidelines (Richards et al. 2015 PMID: 25741868, with internal and published modifications).

NM_032656.4(DHX37):c.142G>A (p.Ala48Thr)

Gene: DHX37 (DEAH-box helicase 37; minus strand). Cytogenetic location: 12q24.31.
Variant type: single nucleotide variant.
Coding change: c.142G>A on transcript NM_032656.4 (MANE Select); coding-DNA position 142, G replaced by A.
Protein change: p.Ala48Thr; replaces alanine 48 with threonine.
Molecular consequence: missense variant.
Genome position (GRCh38, 1-based): chr12:124,986,230, C>T on the plus strand (G>A on the coding strand, the complement: DHX37 is on the minus strand). VCF-style: chr12-124986230-C-T. GRCh37 (hg19) VCF-style: chr12-125470776-C-T.
Other names: c.142G>A (NM_032656.3); short protein forms A48T.
Identifiers: ClinVar variation 2067657 (VCV002067657.6), dbSNP rs78936225, ClinGen allele CA6872538.